The following is an entry in ClinVar:

ClinVar aggregate classification (germline): Pathogenic (1 of 4 stars; one submission).

Submission:

Labcorp Genetics (formerly Invitae), Labcorp
Classification: Pathogenic. Last evaluated: 2025-12-23. Review status: criteria provided, single submitter. Criteria: Invitae Variant Classification Sherloc (09022015). Collection method: clinical testing. Allele origin: germline.
Comment: This sequence change creates a premature translational stop signal (p.Thr31Cysfs*2) in the TTC37 gene. It is expected to result in an absent or disrupted protein product. Loss-of-function variants in TTC37 are known to be pathogenic (PMID: 20176027, 21120949). This variant is not present in population databases (gnomAD no frequency). This variant has not been reported in the literature in individuals affected with TTC37-related conditions. ClinVar contains an entry for this variant (Variation ID: 2799861). Algorithms developed to predict the effect of sequence changes on RNA splicing suggest that this variant may disrupt the consensus splice site. For these reasons, this variant has been classified as Pathogenic.

Literature cited by the submitters: PubMed 20176027; PubMed 21120949.

NC_000005.10:g.95543327_95543330del

Gene: SKIC3 (SKI3 subunit of superkiller complex; minus strand). Cytogenetic location: 5q15.
Variant type: Deletion.
Genome position: GRCh38 VCF-style: chr5-95543323-ACTGT-A. GRCh37 (hg19) VCF-style: chr5-94879027-ACTGT-A.
Identifiers: ClinVar variation 2799861 (VCV002799861.3), ClinGen allele CA2739274952.
Genomic context (GRCh38, chr5:95,543,323, plus strand): 5'-TCAGCTGCAGCAACGCCAATAAAAACCCAGGCATTATAGTTATTTTTCTCTTGCTTTAAC[ACTGT>A]CTGATTTAAAAAAAATTAAAAGAGTAGGTTAGTAAATTTTCGAAGCAAATGAACTAACAA-3'